The following is an entry in ClinVar:

NM_001127178.3(PIGG):c.1666T>A (p.Leu556Met)

Gene: PIGG (phosphatidylinositol glycan anchor biosynthesis class G (EMM blood group); plus strand). Cytogenetic location: 4p16.3.
Variant type: single nucleotide variant.
Coding change: c.1666T>A on transcript NM_001127178.3 (MANE Select); coding-DNA position 1666, T replaced by A.
Protein change: p.Leu556Met; replaces leucine 556 with methionine.
Molecular consequence: missense variant. On other transcripts: non-coding transcript variant (7).
Genome position (GRCh38, 1-based): chr4:523,510, T>A. VCF-style: chr4-523510-T-A. GRCh37 (hg19) VCF-style: chr4-517299-T-A.
Other names: c.1267T>A, p.Leu423Met (NM_001289052.2); c.1399T>A, p.Leu467Met (NM_001345986.2, NM_001289051.2); c.133T>A, p.Leu45Met (NM_001345990.2, NM_001345991.2); c.1375T>A, p.Leu459Met (NM_001345987.2); c.637T>A, p.Leu213Met (NM_001345988.2); c.568T>A, p.Leu190Met (NM_001345994.2); c.1642T>A, p.Leu548Met (NM_017733.5); short protein forms L213M, L423M, L548M, L556M, L190M, L459M, L45M, L467M.
Identifiers: ClinVar variation 2194244 (VCV002194244.1), dbSNP rs767001809, ClinGen allele CA355906602.

ClinVar aggregate classification (germline): Uncertain significance (1 of 4 stars; one submission).

Conditions:
Intellectual disability, autosomal recessive 53 (NEDHSCA). Also called: GLYCOSYLPHOSPHATIDYLINOSITOL BIOSYNTHESIS DEFECT 13; Mental retardation, autosomal recessive 53; NEURODEVELOPMENTAL DISORDER WITH OR WITHOUT HYPOTONIA, SEIZURES, AND CEREBELLAR ATROPHY. Identifiers: Orphanet 488635, MedGen C4310794, MONDO:0014832, OMIM 616917.

Submission:

Labcorp Genetics (formerly Invitae), Labcorp
Classification: Uncertain significance for Intellectual disability, autosomal recessive 53. Last evaluated: 2022-04-18. Review status: criteria provided, single submitter. Criteria: Invitae Variant Classification Sherloc (09022015). Collection method: clinical testing. Allele origin: germline.
Comment: This sequence change replaces leucine, which is neutral and non-polar, with methionine, which is neutral and non-polar, at codon 556 of the PIGG protein (p.Leu556Met). This variant is not present in population databases (gnomAD no frequency). This variant has not been reported in the literature in individuals affected with PIGG-related conditions. Algorithms developed to predict the effect of missense changes on protein structure and function (SIFT, PolyPhen-2, Align-GVGD) all suggest that this variant is likely to be tolerated. In summary, the available evidence is currently insufficient to determine the role of this variant in disease. Therefore, it has been classified as a Variant of Uncertain Significance.